The following is an entry in ClinVar:

NM_000179.3(MSH6):c.107C>A (p.Ala36Asp)

Gene: MSH6 (mutS homolog 6; plus strand). Cytogenetic location: 2p16.3.
Variant type: single nucleotide variant.
Coding change: c.107C>A on transcript NM_000179.3 (MANE Select); coding-DNA position 107, C replaced by A.
Protein change: p.Ala36Asp; replaces alanine 36 with aspartic acid.
Molecular consequence: missense variant. On other transcripts: 5 prime UTR variant (1).
Genome position (GRCh38, 1-based): chr2:47,783,340, C>A. VCF-style: chr2-47783340-C-A. GRCh37 (hg19) VCF-style: chr2-48010479-C-A.
Other names: c.107C>A, p.Ala36Asp (NM_001281492.2, NM_001406795.1, NM_001406796.1 and 9 more transcripts); c.-630C>A (NM_001281493.2, NM_001406811.1); c.-222C>A (NM_001406799.1); c.52C>A, p.Leu18Met (NM_001406804.1); c.-822C>A (NM_001406807.1); c.-477C>A (NM_001406812.1); c.-888C>A (NM_001406814.1); c.-433C>A (NM_001406816.1); short protein forms A36D, L18M.
Identifiers: ClinVar variation 1785950 (VCV001785950.2), dbSNP rs61756469, ClinGen allele CA346734846.

ClinVar aggregate classification (germline): Uncertain significance (1 of 4 stars; one submission).

Conditions:
Hereditary cancer-predisposing syndrome. Also called: Neoplastic Syndromes, Hereditary; Tumor predisposition; Hereditary Cancer Syndrome; Hereditary neoplastic syndrome. Identifiers: Orphanet 140162, MedGen C0027672, MeSH D009386, MONDO:0015356.

Submission:

Ambry Genetics
Classification: Uncertain significance for Hereditary cancer-predisposing syndrome. Last evaluated: 2023-12-27. Review status: criteria provided, single submitter. Criteria: Ambry Variant Classification Scheme 2023. Collection method: clinical testing. Allele origin: germline.
Comment: The p.A36D variant (also known as c.107C>A), located in coding exon 1 of the MSH6 gene, results from a C to A substitution at nucleotide position 107. The alanine at codon 36 is replaced by aspartic acid, an amino acid with dissimilar properties. This amino acid position is well conserved in available vertebrate species. In addition, this alteration is predicted to be tolerated by in silico analysis. Since supporting evidence is limited at this time, the clinical significance of this alteration remains unclear.